The following is an entry in ClinVar:

ClinVar aggregate classification (germline): Likely pathogenic (1 of 4 stars; one submission).

Conditions:
Hypotrichosis 7 (HYPT7). Also called: HYPOTRICHOSIS, LOCALIZED, AUTOSOMAL RECESSIVE 2; HYPOTRICHOSIS, AUTOSOMAL RECESSIVE. Identifiers: Orphanet 55654, MedGen C1836672, MONDO:0011452, OMIM 604379.

Submission:

Juno Genomics, Hangzhou Juno Genomics, Inc
Classification: Likely pathogenic for Hypotrichosis 7. Review status: criteria provided, single submitter. Criteria: ACMG Guidelines, 2015. Collection method: clinical testing. Allele origin: germline.
Comment: Null variant in a gene where loss of function (LOF) is a known mechanism of disease.;Absent from controls (or at extremely low frequency if recessive) in Genome Aggregation Database.

NM_139248.3(LIPH):c.993C>G (p.Tyr331Ter)

Gene: LIPH (lipase H; minus strand). Cytogenetic location: 3q27.2.
Variant type: single nucleotide variant.
Coding change: c.993C>G on transcript NM_139248.3 (MANE Select); coding-DNA position 993, C replaced by G.
Protein change: p.Tyr331Ter; replaces tyrosine 331 with a stop codon.
Molecular consequence: nonsense.
Genome position (GRCh38, 1-based): chr3:185,514,511, G>C on the plus strand (C>G on the coding strand, the complement: LIPH is on the minus strand). VCF-style: chr3-185514511-G-C. GRCh37 (hg19) VCF-style: chr3-185232299-G-C.
Other names: c.891C>G, p.Tyr297Ter (NM_001438029.1); c.903C>G, p.Tyr301Ter (NM_001438651.1); c.864C>G, p.Tyr288Ter (NM_001438652.1); short protein forms Y288*, Y331*, Y297*, Y301*.
Identifiers: ClinVar variation 5006599 (VCV005006599.2).